The following is an entry in ClinVar:

NM_005445.4(SMC3):c.430-820A>T

Gene: SMC3 (structural maintenance of chromosomes 3; plus strand). Cytogenetic location: 10q25.2.
Variant type: single nucleotide variant.
Coding change: c.430-820A>T on transcript NM_005445.4 (MANE Select); 820 bases into the intron before coding-DNA position 430, A replaced by T.
Molecular consequence: intron variant.
Genome position (GRCh38, 1-based): chr10:110,580,084, A>T. VCF-style: chr10-110580084-A-T. GRCh37 (hg19) VCF-style: chr10-112339842-A-T.
Identifiers: ClinVar variation 3338538 (VCV003338538.1).
Genomic context (GRCh38, chr10:110,580,084, plus strand): 5'-TCAAAAATATTTAAAATAAATAAAATTTTAAAACAGTACAATAAGAAATAATACAAATTT[A>T]AAAATACAGTAAAACTATTTACATAGCATTTACATTGTATTATTATAATTAATCTAGATA-3'

ClinVar aggregate classification (germline): Uncertain significance (1 of 4 stars; one submission).

Submission:

Greenwood Genetic Center Diagnostic Laboratories, Greenwood Genetic Center
Classification: Uncertain significance. Last evaluated: 2024-05-30. Review status: criteria provided, single submitter. Criteria: ACMG Guidelines, 2015. Collection method: clinical testing. Allele origin: germline. Affected: yes.
Comment: PM2